The following is an entry in ClinVar:

NM_000051.4(ATM):c.8710G>A (p.Glu2904Lys)

Genes: ATM (ATM serine/threonine kinase; plus strand), C11orf65 (chromosome 11 open reading frame 65; minus strand). Cytogenetic location: 11q22.3.
Variant type: single nucleotide variant.
Coding change: c.8710G>A on transcript NM_000051.4 (MANE Select); coding-DNA position 8710, G replaced by A.
Protein change: p.Glu2904Lys; replaces glutamic acid 2904 with lysine.
Molecular consequence: missense variant. On other transcripts: intron variant (2).
Genome position (GRCh38, 1-based): chr11:108,353,804, G>A. VCF-style: chr11-108353804-G-A. GRCh37 (hg19) VCF-style: chr11-108224531-G-A.
Other names: c.8710G>A, p.Glu2904Lys (NM_001351834.2); c.640+32116C>T (NM_001330368.2); c.695-18512C>T (NM_001351110.2); short protein forms E2904K.
Identifiers: ClinVar variation 2779422 (VCV002779422.5), dbSNP rs1591306697, ClinGen allele CA382523775.

ClinVar aggregate classification (germline): Uncertain significance. Review status: criteria provided, multiple submitters, no conflicts (2 of 4 stars). 3 submissions from 3 submitters: Uncertain significance (3). Last evaluated 2026-07-09.

Conditions:
Ataxia-telangiectasia syndrome (AT). Also called: LOUIS-BAR SYNDROME; Cerebello-oculocutaneous telangiectasia; Immunodeficiency with ataxia telangiectasia; Ataxia telangiectasia (A-T); Ataxia-telangiectasia, complementation group D; AT, COMPLEMENTATION GROUP C. Identifiers: Orphanet 100, MedGen C0004135, MONDO:0008840, OMIM 208900.
Familial cancer of breast. Also called: BREAST CANCER, FAMILIAL; Hereditary breast cancer; hereditary breast carcinoma. Identifiers: Orphanet 227535, MedGen C0346153, MONDO:0016419, OMIM 114480. Disease mechanism: loss of function.
Hereditary cancer-predisposing syndrome. Also called: Tumor predisposition; Neoplastic Syndromes, Hereditary; Hereditary Cancer Syndrome; Hereditary neoplastic syndrome. Identifiers: Orphanet 140162, MedGen C0027672, MeSH D009386, MONDO:0015356.

Submissions (3):

Ambry Genetics
Classification: Uncertain significance for Hereditary cancer-predisposing syndrome. Last evaluated: 2026-07-09. Review status: criteria provided, single submitter. Criteria: Ambry Variant Classification Scheme 2023. Collection method: clinical testing. Allele origin: germline.
Comment: The p.E2904K variant (also known as c.8710G>A), located in coding exon 59 of the ATM gene, results from a G to A substitution at nucleotide position 8710. The glutamic acid at codon 2904 is replaced by lysine, an amino acid with similar properties. In an assay testing ATM function, this variant showed a functionally abnormal result (Lee KS et al. Cell, 2025 Sep;188:5081-5099.e27). This amino acid position is highly conserved in available vertebrate species. In addition, this alteration is predicted to be deleterious by in silico analysis. Based on the available evidence, the clinical significance of this variant remains unclear.

Labcorp Genetics (formerly Invitae), Labcorp
Classification: Uncertain significance for Ataxia-telangiectasia syndrome. Last evaluated: 2025-04-06. Review status: criteria provided, single submitter. Criteria: Invitae Variant Classification Sherloc (09022015). Collection method: clinical testing. Allele origin: germline.
Comment: This sequence change replaces glutamic acid, which is acidic and polar, with lysine, which is basic and polar, at codon 2904 of the ATM protein (p.Glu2904Lys). This variant is not present in population databases (gnomAD no frequency). This variant has not been reported in the literature in individuals affected with ATM-related conditions. ClinVar contains an entry for this variant (Variation ID: 2779422). Invitae Evidence Modeling of protein sequence and biophysical properties (such as structural, functional, and spatial information, amino acid conservation, physicochemical variation, residue mobility, and thermodynamic stability) indicates that this missense variant is expected to disrupt ATM protein function with a positive predictive value of 95%. In summary, the available evidence is currently insufficient to determine the role of this variant in disease. Therefore, it has been classified as a Variant of Uncertain Significance.

Baylor Genetics
Classification: Uncertain significance for Familial cancer of breast. Last evaluated: 2023-12-14. Review status: criteria provided, single submitter. Criteria: ACMG Guidelines, 2015. Collection method: clinical testing. Allele origin: unknown.

Literature cited by the submitters: PubMed 40580951 (cited by Ambry Genetics).